The following is an entry in ClinVar:

ClinVar aggregate classification (germline): Uncertain significance (1 of 4 stars; one submission).

Conditions:
Bloom syndrome (BLM). Also called: Bloom-Torre-Machacek syndrome. Identifiers: Orphanet 125, MedGen C0005859, MONDO:0008876, OMIM 210900.

Submission:

Labcorp Genetics (formerly Invitae), Labcorp
Classification: Uncertain significance for Bloom syndrome. Last evaluated: 2022-02-03. Review status: criteria provided, single submitter. Criteria: Invitae Variant Classification Sherloc (09022015). Collection method: clinical testing. Allele origin: germline.
Comment: Algorithms developed to predict the effect of sequence changes on RNA splicing suggest that this variant may create or strengthen a splice site. In summary, the available evidence is currently insufficient to determine the role of this variant in disease. Therefore, it has been classified as a Variant of Uncertain Significance. Algorithms developed to predict the effect of missense changes on protein structure and function (SIFT, PolyPhen-2, Align-GVGD) all suggest that this variant is likely to be tolerated. This variant has not been reported in the literature in individuals affected with BLM-related conditions. This variant is not present in population databases (gnomAD no frequency). This sequence change replaces histidine, which is basic and polar, with glutamine, which is neutral and polar, at codon 996 of the BLM protein (p.His996Gln).

NM_000057.4(BLM):c.2988T>G (p.His996Gln)

Gene: BLM (BLM RecQ like helicase; plus strand). Cytogenetic location: 15q26.1.
Variant type: single nucleotide variant.
Coding change: c.2988T>G on transcript NM_000057.4 (MANE Select); coding-DNA position 2988, T replaced by G.
Protein change: p.His996Gln; replaces histidine 996 with glutamine.
Molecular consequence: missense variant.
Genome position (GRCh38, 1-based): chr15:90,790,813, T>G. VCF-style: chr15-90790813-T-G. GRCh37 (hg19) VCF-style: chr15-91334043-T-G.
Other names: c.2988T>G, p.His996Gln (NM_001287246.2, NM_001287247.2); c.1863T>G, p.His621Gln (NM_001287248.2); short protein forms H996Q, H621Q.
Identifiers: ClinVar variation 2092440 (VCV002092440.4), dbSNP rs2505516983, ClinGen allele CA393846563.
Genomic context (GRCh38, chr15:90,790,813, plus strand): 5'-ATCTGGCAGAGCTGGAAGAGATGGGGAAATATCTCACTGCCTGCTTTTCTATACCTATCA[T>G]GATGTGACCAGACTGAAAAGACTTATAATGAGTAAGCTGGGCTCCATTGTAGAGACATTC-3'
Protein context (NP_000048.1, residues 986-1006): ISHCLLFYTY[His996Gln]DVTRLKRLIM